The following is an entry in ClinVar:

ClinVar aggregate classification (germline): Uncertain significance (1 of 4 stars; one submission).

Conditions:
Achondrogenesis, type IA (ACG1A). Identifiers: Orphanet 932, Orphanet 93299, MedGen C0265273, MONDO:0008701, OMIM 200600.

Allele frequency attached by ClinVar (database versions not stated): gnomAD exomes below 0.00001; TOPMed below 0.00001.
gnomAD v4.1: 1 of 1,614,170 alleles (0.000062%); highest among the groups gnomAD compares: Admixed American, 0.0017%; no homozygotes.

Submission:

Labcorp Genetics (formerly Invitae), Labcorp
Classification: Uncertain significance for Achondrogenesis, type IA. Last evaluated: 2022-10-17. Review status: criteria provided, single submitter. Criteria: Invitae Variant Classification Sherloc (09022015). Collection method: clinical testing. Allele origin: germline.
Comment: In summary, the available evidence is currently insufficient to determine the role of this variant in disease. Therefore, it has been classified as a Variant of Uncertain Significance. Advanced modeling of protein sequence and biophysical properties (such as structural, functional, and spatial information, amino acid conservation, physicochemical variation, residue mobility, and thermodynamic stability) performed at Invitae indicates that this missense variant is not expected to disrupt TRIP11 protein function. ClinVar contains an entry for this variant (Variation ID: 1434836). This variant has not been reported in the literature in individuals affected with TRIP11-related conditions. This variant is present in population databases (no rsID available, gnomAD 0.003%). This sequence change replaces tyrosine, which is neutral and polar, with serine, which is neutral and polar, at codon 1094 of the TRIP11 protein (p.Tyr1094Ser).

NM_004239.4(TRIP11):c.3281A>C (p.Tyr1094Ser)

Gene: TRIP11 (thyroid hormone receptor interactor 11; minus strand). Cytogenetic location: 14q32.12.
Variant type: single nucleotide variant.
Coding change: c.3281A>C on transcript NM_004239.4 (MANE Select); coding-DNA position 3281, A replaced by C.
Protein change: p.Tyr1094Ser; replaces tyrosine 1094 with serine.
Molecular consequence: missense variant.
Genome position (GRCh38, 1-based): chr14:92,004,695, T>G on the plus strand (A>C on the coding strand, the complement: TRIP11 is on the minus strand). VCF-style: chr14-92004695-T-G. GRCh37 (hg19) VCF-style: chr14-92471039-T-G.
Other names: c.3278A>C, p.Tyr1093Ser (NM_001321851.1); short protein forms Y1093S, Y1094S.
Identifiers: ClinVar variation 1434836 (VCV001434836.6), dbSNP rs1378528757, ClinGen allele CA390653268.